The following is an entry in ClinVar:

NM_170606.3(KMT2C):c.9386T>G (p.Met3129Arg)

Gene: KMT2C (lysine methyltransferase 2C; minus strand). Cytogenetic location: 7q36.1.
Variant type: single nucleotide variant.
Coding change: c.9386T>G on transcript NM_170606.3 (MANE Select); coding-DNA position 9386, T replaced by G.
Protein change: p.Met3129Arg; replaces methionine 3129 with arginine.
Molecular consequence: missense variant.
Genome position (GRCh38, 1-based): chr7:152,171,331, A>C on the plus strand (T>G on the coding strand, the complement: KMT2C is on the minus strand). VCF-style: chr7-152171331-A-C. GRCh37 (hg19) VCF-style: chr7-151868416-A-C.
Other names: short protein forms M3129R.
Identifiers: ClinVar variation 3373143 (VCV003373143.2).

ClinVar aggregate classification (germline): Uncertain significance. Review status: criteria provided, multiple submitters, no conflicts (2 of 4 stars). 2 submissions from 2 submitters: Uncertain significance (2). Last evaluated 2025-03-27.

Submissions (2):

Labcorp Genetics (formerly Invitae), Labcorp
Classification: Uncertain significance. Last evaluated: 2025-03-27. Review status: criteria provided, single submitter. Criteria: Invitae Variant Classification Sherloc (09022015). Collection method: clinical testing. Allele origin: germline.
Comment: This sequence change replaces methionine, which is neutral and non-polar, with arginine, which is basic and polar, at codon 3129 of the KMT2C protein (p.Met3129Arg). This variant is not present in population databases (gnomAD no frequency). This variant has not been reported in the literature in individuals affected with KMT2C-related conditions. ClinVar contains an entry for this variant (Variation ID: 3373143). Invitae Evidence Modeling of protein sequence and biophysical properties (such as structural, functional, and spatial information, amino acid conservation, physicochemical variation, residue mobility, and thermodynamic stability) indicates that this missense variant is not expected to disrupt KMT2C protein function with a negative predictive value of 80%. In summary, the available evidence is currently insufficient to determine the role of this variant in disease. Therefore, it has been classified as a Variant of Uncertain Significance.

GeneDx
Classification: Uncertain significance. Last evaluated: 2024-04-30. Review status: criteria provided, single submitter. Criteria: GeneDx Variant Classification Process June 2021. Collection method: clinical testing. Allele origin: germline. Affected: yes.
Comment: Not observed at significant frequency in large population cohorts (gnomAD); In silico analysis supports that this missense variant has a deleterious effect on protein structure/function; Has not been previously published as pathogenic or benign to our knowledge